The following is an entry in ClinVar:

NM_152783.5(D2HGDH):c.800C>T (p.Thr267Met)

Gene: D2HGDH (D-2-hydroxyglutarate dehydrogenase; plus strand). Cytogenetic location: 2q37.3.
Variant type: single nucleotide variant.
Coding change: c.800C>T on transcript NM_152783.5 (MANE Select); coding-DNA position 800, C replaced by T.
Protein change: p.Thr267Met; replaces threonine 267 with methionine.
Molecular consequence: missense variant. On other transcripts: non-coding transcript variant (1).
Genome position (GRCh38, 1-based): chr2:241,744,824, C>T. VCF-style: chr2-241744824-C-T. GRCh37 (hg19) VCF-style: chr2-242684239-C-T.
Other names: c.398C>T, p.Thr133Met (NM_001287249.2); c.239C>T, p.Thr80Met (NM_001352824.2); short protein forms T267M, T133M, T80M.
Identifiers: ClinVar variation 2068249 (VCV002068249.3), dbSNP rs372711379, ClinGen allele CA2221767.

ClinVar aggregate classification (germline): Uncertain significance. Review status: criteria provided, multiple submitters, no conflicts (2 of 4 stars). 2 submissions from 2 submitters: Uncertain significance (2). Last evaluated 2024-01-19.

Conditions:
D-2-hydroxyglutaric aciduria 1 (D2HGA1). Identifiers: Orphanet 79315, MedGen C3152055, MONDO:0024554, OMIM 600721.

Allele frequency attached by ClinVar (database versions not stated): ExAC 0.00002; gnomAD exomes 0.00002; gnomAD 0.00003; TOPMed 0.00005; ESP Exome Variant Server 0.00008.

Submissions (2):

Blueprint Genetics
Classification: Uncertain significance. Last evaluated: 2024-01-19. Review status: criteria provided, single submitter. Criteria: ACMG Guidelines, 2015. Collection method: clinical testing. Allele origin: germline.

Labcorp Genetics (formerly Invitae), Labcorp
Classification: Uncertain significance for D-2-hydroxyglutaric aciduria 1. Last evaluated: 2022-07-13. Review status: criteria provided, single submitter. Criteria: Invitae Variant Classification Sherloc (09022015). Collection method: clinical testing. Allele origin: germline.
Comment: In summary, the available evidence is currently insufficient to determine the role of this variant in disease. Therefore, it has been classified as a Variant of Uncertain Significance. Algorithms developed to predict the effect of missense changes on protein structure and function are either unavailable or do not agree on the potential impact of this missense change (SIFT: "Deleterious"; PolyPhen-2: "Benign"; Align-GVGD: "Class C0"). This variant has not been reported in the literature in individuals affected with D2HGDH-related conditions. This variant is present in population databases (rs372711379, gnomAD 0.01%). This sequence change replaces threonine, which is neutral and polar, with methionine, which is neutral and non-polar, at codon 267 of the D2HGDH protein (p.Thr267Met).